The following is an entry in ClinVar:

NM_005465.7(AKT3):c.792C>T (p.Ser264=)

Gene: AKT3 (AKT serine/threonine kinase 3; minus strand). Cytogenetic location: 1q44.
Variant type: single nucleotide variant.
Coding change: c.792C>T on transcript NM_005465.7 (MANE Select); coding-DNA position 792, C replaced by T.
Protein change: p.Ser264=; no amino-acid change (serine 264 retained).
Molecular consequence: synonymous variant.
Genome position (GRCh38, 1-based): chr1:243,572,953, G>A on the plus strand (C>T on the coding strand, the complement: AKT3 is on the minus strand). VCF-style: chr1-243572953-G-A. GRCh37 (hg19) VCF-style: chr1-243736255-G-A.
Other names: c.792C>T, p.Ser264= (NM_001206729.2, NM_001370074.1, NM_181690.2).
Identifiers: ClinVar variation 772223 (VCV000772223.13), dbSNP rs77764554, ClinGen allele CA1484028.

ClinVar aggregate classification (germline): Benign/Likely benign. Review status: criteria provided, multiple submitters, no conflicts (2 of 4 stars). 3 submissions from 3 submitters: Benign (1); Likely benign (1). 1 of the submissions does not count toward it. Last evaluated 2024-04-13.

Conditions:
AKT3-related disorder. Also called: AKT3-related condition.
Megalencephaly-polymicrogyria-polydactyly-hydrocephalus syndrome 2 (MPPH2). Also called: MEGALENCEPHALY-POLYMICROGYRIA-POLYDACTYLY-HYDROCEPHALUS SYNDROME 2, SOMATIC. Identifiers: Orphanet 83473, MedGen C4014738, MONDO:0014407, OMIM 615937.

Allele frequency attached by ClinVar (database versions not stated): gnomAD exomes 0.00008 and 0.00016; ExAC 0.00014; ESP Exome Variant Server 0.00031; TOPMed 0.00031; gnomAD 0.00039; 1000 Genomes Project 30x 0.00047; 1000 Genomes Project 0.00060.
gnomAD v4.1: 154 of 1,610,482 alleles (0.0096%); highest among the groups gnomAD compares: African/African-American, 0.11%; no homozygotes.

Submissions (3):

Labcorp Genetics (formerly Invitae), Labcorp
Classification: Benign for Megalencephaly-polymicrogyria-polydactyly-hydrocephalus syndrome 2. Last evaluated: 2024-04-13. Review status: criteria provided, single submitter. Criteria: Invitae Variant Classification Sherloc (09022015). Collection method: clinical testing. Allele origin: germline.

Blueprint Genetics
Classification: Likely benign. Last evaluated: 2022-10-26. Review status: criteria provided, single submitter. Criteria: ACMG Guidelines, 2015. Collection method: clinical testing. Allele origin: germline.

PreventionGenetics, part of Exact Sciences
Classification: Likely benign for AKT3-related condition. Last evaluated: 2023-04-25. Review status: no assertion criteria provided. Collection method: clinical testing. Allele origin: germline. Not counted in ClinVar's aggregate classification.
Comment: This variant is classified as likely benign based on ACMG/AMP sequence variant interpretation guidelines (Richards et al. 2015 PMID: 25741868, with internal and published modifications).